The following is an entry in ClinVar:

NC_000002.11:g.(?_241656781)_(241728749_?)del

Gene: KIF1A (kinesin family member 1A; minus strand). Cytogenetic location: 2q37.3.
Variant type: Deletion.
Identifiers: ClinVar variation 1512514 (VCV001512514.8).

ClinVar aggregate classification (germline): Uncertain significance (1 of 4 stars; one submission).

Conditions:
Hereditary spastic paraplegia 30. Identifiers: Orphanet 101010, MedGen C5235139, MONDO:0012476.
Neuropathy, hereditary sensory, type 2C. Also called: KIF1A-Related HSAN2 (HSAN2C); Hereditary sensory and autonomic neuropathy type IIC. Identifiers: Orphanet 970, MedGen C3280168, MONDO:0013634, OMIM 614213.
Intellectual disability, autosomal dominant 9 (NESCAVS). Also called: KIF1A-Related Neurodevelopmental Disorder; NESCAV SYNDROME. Identifiers: Orphanet 662367, MedGen C5393830, MONDO:0013656, OMIM 614255.

Submission:

Labcorp Genetics (formerly Invitae), Labcorp
Classification: Uncertain significance for Hereditary spastic paraplegia 30; Neuropathy, hereditary sensory, type 2C; Intellectual disability, autosomal dominant 9. Last evaluated: 2021-02-21. Review status: criteria provided, single submitter. Criteria: Invitae Variant Classification Sherloc (09022015). Collection method: clinical testing. Allele origin: germline.
Comment: In summary, the available evidence is currently insufficient to determine the role of this variant in disease. Therefore, it has been classified as a Variant of Uncertain Significance. This variant has not been reported in the literature in individuals with KIF1A-related conditions. This variant is a gross deletion of the genomic region encompassing exon(s) 2-46 of the KIF1A gene. The 5' boundary is likely confined to intron 1. The 3' end of this event is unknown as it extends through the termination codon beyond the assayed region for this gene and may encompass additional genes. While this deletion is not anticipated to lead to nonsense mediated decay, it is expected to alter mRNA translation or result in a truncated protein product.